The following is an entry in ClinVar:

ClinVar aggregate classification (germline): Uncertain significance. Review status: criteria provided, multiple submitters, no conflicts (2 of 4 stars). 2 submissions from 2 submitters: Uncertain significance (2). Last evaluated 2025-12-15.

Conditions:
Dyskeratosis congenita. Identifiers: Orphanet 1775, MedGen C0265965, MONDO:0015780.

Submissions (2):

Ambry Genetics
Classification: Uncertain significance for Dyskeratosis congenita. Last evaluated: 2025-12-15. Review status: criteria provided, single submitter. Criteria: Ambry Variant Classification Scheme 2023. Collection method: clinical testing. Allele origin: germline.
Comment: The p.V697L variant (also known as c.2089G>T), located in coding exon 5 of the TERT gene, results from a G to T substitution at nucleotide position 2089. The valine at codon 697 is replaced by leucine, an amino acid with highly similar properties. This amino acid position is conserved. In addition, this alteration is predicted to be tolerated by in silico analysis. Based on the available evidence, the clinical significance of this variant remains unclear.

Women's Health and Genetics/Laboratory Corporation of America, LabCorp
Classification: Uncertain significance. Last evaluated: 2024-12-26. Review status: criteria provided, single submitter. Criteria: LabCorp Variant Classification Summary - May 2015. Collection method: clinical testing. Allele origin: germline.
Comment: Variant summary: TERT c.2089G>T (p.Val697Leu) results in a conservative amino acid change located in the Reverse transcriptase (RT) catalytic domain profile (IPR000477) of the encoded protein sequence. Five of five in-silico tools predict a benign effect of the variant on protein function. The variant was absent in 229610 control chromosomes. The available data on variant occurrences in the general population are insufficient to allow any conclusion about variant significance. To our knowledge, no occurrence of c.2089G>T in individuals affected with TERT-Related Disorders and no experimental evidence demonstrating its impact on protein function have been reported. No submitters have cited clinical-significance assessments for this variant to ClinVar. Based on the evidence outlined above, the variant was classified as uncertain significance.

NM_198253.3(TERT):c.2089G>T (p.Val697Leu)

Gene: TERT (telomerase reverse transcriptase; minus strand). Cytogenetic location: 5p15.33.
Variant type: single nucleotide variant.
Coding change: c.2089G>T on transcript NM_198253.3 (MANE Select); coding-DNA position 2089, G replaced by T.
Protein change: p.Val697Leu; replaces valine 697 with leucine.
Molecular consequence: missense variant. On other transcripts: non-coding transcript variant (2).
Genome position (GRCh38, 1-based): chr5:1,279,332, C>A on the plus strand (G>T on the coding strand, the complement: TERT is on the minus strand). VCF-style: chr5-1279332-C-A. GRCh37 (hg19) VCF-style: chr5-1279447-C-A.
Other names: c.2089G>T, p.Val697Leu (NM_001193376.3); short protein forms V697L.
Identifiers: ClinVar variation 3768423 (VCV003768423.2).
Genomic context (GRCh38, chr5:1,279,332, plus strand): 5'-GGGGGTCCCCGGCACCCACCTTGACAAAGTACAGCTCAGGCGGCGGGTCCTGGGCCCGCA[C>A]ACGCAGCACGAAGGTGCGCCAGGCCCTGTGGATATCGTCCAGGCCCAGCACAGAGGCGCC-3'
Protein context (NP_937983.2, residues 687-707): HRAWRTFVLR[Val697Leu]RAQDPPPELY